The following is an entry in ClinVar:

NM_001124758.3(SPNS2):c.1590C>A (p.Arg530=)

Gene: SPNS2 (SPNS lysolipid transporter 2, sphingosine-1-phosphate; plus strand). Cytogenetic location: 17p13.2.
Variant type: single nucleotide variant.
Coding change: c.1590C>A on transcript NM_001124758.3 (MANE Select); coding-DNA position 1590, C replaced by A.
Protein change: p.Arg530=; no amino-acid change (arginine 530 retained).
Molecular consequence: synonymous variant.
Genome position (GRCh38, 1-based): chr17:4,536,409, C>A. VCF-style: chr17-4536409-C-A. GRCh37 (hg19) VCF-style: chr17-4439704-C-A.
Identifiers: ClinVar variation 3033154 (VCV003033154.2), dbSNP rs200033051, ClinGen allele CA8303509.
Genomic context (GRCh38, chr17:4,536,409, plus strand): 5'-CGTCGTGGTCCTGGGCGGCATGTTCTTCCTCGCCACTGCGCTCTTCTTCGTCAGCGACCG[C>A]GCCAGGGCTGAGCAGCAGTGAGTGGGGGGGAGGGGAGGCCCTGCTGCACCGCCGGGAAGC-3'
Protein context (NP_001118230.1, residues 520-540): LATALFFVSD[Arg530=]ARAEQQVNQL

ClinVar aggregate classification (germline): Likely benign (0 of 4 stars; one submission).

Conditions:
SPNS2-related disorder. Also called: SPNS2-related condition.

Allele frequency attached by ClinVar (database versions not stated): ESP Exome Variant Server 0.00068.
gnomAD v4.1: 949 of 1,601,428 alleles (0.059%); highest among the groups gnomAD compares: Non-Finnish European, 0.072%; 1 homozygote.

Submission:

PreventionGenetics, part of Exact Sciences
Classification: Likely benign for SPNS2-related condition. Last evaluated: 2020-12-07. Review status: no assertion criteria provided. Collection method: clinical testing. Allele origin: germline.
Comment: This variant is classified as likely benign based on ACMG/AMP sequence variant interpretation guidelines (Richards et al. 2015 PMID: 25741868, with internal and published modifications).